The following is an entry in ClinVar:

NM_002292.4(LAMB2):c.1652G>A (p.Arg551His)

Gene: LAMB2 (laminin subunit beta 2; minus strand). Cytogenetic location: 3p21.31.
Variant type: single nucleotide variant.
Coding change: c.1652G>A on transcript NM_002292.4 (MANE Select); coding-DNA position 1652, G replaced by A.
Protein change: p.Arg551His; replaces arginine 551 with histidine.
Molecular consequence: missense variant.
Genome position (GRCh38, 1-based): chr3:49,129,099, C>T on the plus strand (G>A on the coding strand, the complement: LAMB2 is on the minus strand). VCF-style: chr3-49129099-C-T. GRCh37 (hg19) VCF-style: chr3-49166532-C-T.
Other names: c.1652G>A (NM_002292.3); short protein forms R551H.
Identifiers: ClinVar variation 2062528 (VCV002062528.5), dbSNP rs773027067, ClinGen allele CA2394533.
Genomic context (GRCh38, chr3:49,129,099, plus strand): 5'-GCCTCCCAAATTAGGTGGTCCAGGAAGGGCCGGAAGTAGCCAGGTTGCACCTGCTCACAG[C>T]GTCGCCCAACCATGTGCTGGCGGCAGTGGCATTGACCTGTGCCCTCATCACACCTGGAGG-3'
Protein context (NP_002283.3, residues 541-561): CHCRQHMVGR[Arg551His]CEQVQPGYFR

ClinVar aggregate classification (germline): Uncertain significance. Review status: criteria provided, multiple submitters, no conflicts (2 of 4 stars). 2 submissions from 2 submitters: Uncertain significance (2). Last evaluated 2023-12-17.

Conditions:
Inborn genetic diseases. Identifiers: MedGen C0950123, MeSH D030342.
Pierson syndrome. Also called: MICROCORIA-CONGENITAL NEPHROTIC SYNDROME. Identifiers: Orphanet 2670, MedGen C1836876, MONDO:0012184, OMIM 609049.
LAMB2-related infantile-onset nephrotic syndrome. Also called: NEPHROTIC SYNDROME, TYPE 5, WITHOUT OCULAR ABNORMALITIES; NEPHROTIC SYNDROME, TYPE 5, WITH OCULAR ABNORMALITIES; Nephrotic Syndrome, type 5. Identifiers: Orphanet 306507, MedGen C3280113, MONDO:0013621, OMIM 614199.

Allele frequency attached by ClinVar (database versions not stated): TOPMed below 0.00001.

Submissions (2):

Ambry Genetics
Classification: Uncertain significance for Inborn genetic diseases. Last evaluated: 2023-12-17. Review status: criteria provided, single submitter. Criteria: Ambry Variant Classification Scheme 2023. Collection method: clinical testing. Allele origin: germline.

Labcorp Genetics (formerly Invitae), Labcorp
Classification: Uncertain significance for LAMB2-related infantile-onset nephrotic syndrome; Pierson syndrome. Last evaluated: 2022-04-09. Review status: criteria provided, single submitter. Criteria: Invitae Variant Classification Sherloc (09022015). Collection method: clinical testing. Allele origin: germline.
Comment: This sequence change replaces arginine, which is basic and polar, with histidine, which is basic and polar, at codon 551 of the LAMB2 protein (p.Arg551His). This variant is present in population databases (rs773027067, gnomAD 0.005%). This variant has not been reported in the literature in individuals affected with LAMB2-related conditions. Algorithms developed to predict the effect of missense changes on protein structure and function are either unavailable or do not agree on the potential impact of this missense change (SIFT: "Deleterious"; PolyPhen-2: "Possibly Damaging"; Align-GVGD: "Class C0"). In summary, the available evidence is currently insufficient to determine the role of this variant in disease. Therefore, it has been classified as a Variant of Uncertain Significance.